The following is an entry in ClinVar:

NM_001999.4(FBN2):c.1954A>C (p.Asn652His)

Gene: FBN2 (fibrillin 2; minus strand). Cytogenetic location: 5q23.3.
Variant type: single nucleotide variant.
Coding change: c.1954A>C on transcript NM_001999.4 (MANE Select); coding-DNA position 1954, A replaced by C.
Protein change: p.Asn652His; replaces asparagine 652 with histidine.
Molecular consequence: missense variant.
Genome position (GRCh38, 1-based): chr5:128,376,749, T>G on the plus strand (A>C on the coding strand, the complement: FBN2 is on the minus strand). VCF-style: chr5-128376749-T-G. GRCh37 (hg19) VCF-style: chr5-127712442-T-G.
Other names: short protein forms N652H.
Identifiers: ClinVar variation 969839 (VCV000969839.11), dbSNP rs749765413, ClinGen allele CA3395696.
Genomic context (GRCh38, chr5:128,376,749, plus strand): 5'-GTTTCAATCATGGTCACTTTCCTATCTGAAAGCCACACATACCAGTACAGTAACGCCCAT[T>G]TGGAGCCAAGACAAATCCTGGTTTGCAGATGCACTTGAAGCTGCCATCTTCATTGATGCA-3'
Protein context (NP_001990.2, residues 642-662): ICKPGFVLAP[Asn652His]GRYCTDVDEC

ClinVar aggregate classification (germline): Conflicting classifications of pathogenicity. Review status: criteria provided, conflicting classifications (1 of 4 stars). 2 submissions from 2 submitters: Uncertain significance (1); Likely benign (1). Last evaluated 2025-09-08.

Conditions:
Familial thoracic aortic aneurysm and aortic dissection (TAAD). Also called: Thoracic aortic aneurysms and dissections. Identifiers: Orphanet 91387, MedGen C4707243, MONDO:0019625.
Congenital contractural arachnodactyly (CCA). Also called: BEALS SYNDROME; Arthrogryposis, distal, type 9; Beals-Hecht syndrome. Identifiers: Orphanet 115, MedGen C0220668, MONDO:0007363, OMIM 121050.

Allele frequency attached by ClinVar (database versions not stated): ExAC 0.00001.
gnomAD v4.1: 9 of 1,613,744 alleles (0.00056%); highest among the groups gnomAD compares: Non-Finnish European, 0.00076%; no homozygotes.

Submissions (2):

Ambry Genetics
Classification: Uncertain significance for Familial thoracic aortic aneurysm and aortic dissection. Last evaluated: 2025-09-08. Review status: criteria provided, single submitter. Criteria: Ambry Variant Classification Scheme 2023. Collection method: clinical testing. Allele origin: germline.
Comment: The p.N652H variant (also known as c.1954A>C), located in coding exon 14 of the FBN2 gene, results from an A to C substitution at nucleotide position 1954. The asparagine at codon 652 is replaced by histidine, an amino acid with similar properties. This amino acid position is not well conserved in available vertebrate species. In addition, the in silico prediction for this alteration is inconclusive. Based on the available evidence, the clinical significance of this variant remains unclear.

Labcorp Genetics (formerly Invitae), Labcorp
Classification: Likely benign for Congenital contractural arachnodactyly. Last evaluated: 2024-09-23. Review status: criteria provided, single submitter. Criteria: Invitae Variant Classification Sherloc (09022015). Collection method: clinical testing. Allele origin: germline.